The following is an entry in ClinVar:

ClinVar aggregate classification (germline): Benign. Review status: criteria provided, multiple submitters, no conflicts (2 of 4 stars). 2 submissions from 2 submitters: Benign (2). Last evaluated 2018-01-13.

Conditions:
Charcot-Marie-Tooth disease axonal type 2P. Also called: Charcot-Marie-Tooth Neuropathy Type 2G; CHARCOT-MARIE-TOOTH DISEASE, AXONAL, TYPE 2G; CMT 2G; CHARCOT-MARIE-TOOTH NEUROPATHY, TYPE 2P. Identifiers: Orphanet 300319, Orphanet 99941, MedGen C3280797, MONDO:0013753, OMIM 614436.

Allele frequency attached by ClinVar (database versions not stated): 1000 Genomes Project 30x 0.00109; 1000 Genomes Project 0.00140; gnomAD 0.00263 and 0.00273; TOPMed 0.00314; gnomAD exomes 0.00403.
gnomAD v4.1: 6,063 of 1,551,588 alleles (0.39%); highest among the groups gnomAD compares: Non-Finnish European, 0.46%; 18 homozygotes.

Submissions (2):

Illumina Laboratory Services, Illumina
Classification: Benign for Charcot-Marie-Tooth disease axonal type 2P. Last evaluated: 2018-01-13. Review status: criteria provided, single submitter. Criteria: ICSL Variant Classification Criteria 13 December 2019. Collection method: clinical testing. Allele origin: germline.
Comment: This variant was observed in the ICSL laboratory as part of a predisposition screen in an ostensibly healthy population. It had not been previously curated by ICSL or reported in the Human Gene Mutation Database (HGMD: prior to June 1st, 2018), and was therefore a candidate for classification through an automated scoring system. Utilizing variant allele frequency, disease prevalence and penetrance estimates, and inheritance mode, an automated score was calculated to assess if this variant is too frequent to cause the disease. Based on the score and internal cut-off values, a variant classified as benign is not then subjected to further curation. The score for this variant resulted in a classification of benign for this disease.

Breakthrough Genomics
Classification: Benign. Review status: criteria provided, single submitter. Criteria: ACMG Guidelines, 2015. Collection method: not provided. Allele origin: germline. Inheritance: Autosomal dominant inheritance. Affected: yes.

NM_001005373.4(LRSAM1):c.*57G>A

Gene: LRSAM1 (leucine rich repeat and sterile alpha motif containing 1; plus strand). Cytogenetic location: 9q34.11.
Variant type: single nucleotide variant.
Coding change: c.*57G>A on transcript NM_001005373.4 (MANE Select); 57 bases downstream of the stop codon, G replaced by A.
Molecular consequence: 3 prime UTR variant. On other transcripts: non-coding transcript variant (2).
Genome position (GRCh38, 1-based): chr9:127,502,956, G>A. VCF-style: chr9-127502956-G-A. GRCh37 (hg19) VCF-style: chr9-130265235-G-A.
Other names: c.*57G>A (NM_001005374.4, NM_001190723.3, NM_001384142.1 and 3 more transcripts).
Identifiers: ClinVar variation 365035 (VCV000365035.6), dbSNP rs549468112, ClinGen allele CA10629020.
Genomic context (GRCh38, chr9:127,502,956, plus strand): 5'-CTGAGTGCTGCCCGCCCACCTGGGCCTGGTCCTAGCCCTGCCTCGGCCACTGTGAGCCCC[G>A]GGCTCCTGCTCAGCCTTGTGCCAGCCAGACTCGTATGAGGCTCCCCCCTGCCCTGGGCCC-3'